The following is an entry in ClinVar:

NM_000044.6(AR):c.1885+2T>G

Gene: AR (androgen receptor; plus strand). Cytogenetic location: Xq12.
Variant type: single nucleotide variant.
Coding change: c.1885+2T>G on transcript NM_000044.6 (MANE Select); the canonical splice donor site of the intron after coding-DNA position 1885, T replaced by G.
Molecular consequence: splice donor variant.
Genome position (GRCh38, 1-based): chrX:67,686,128, T>G. VCF-style: chrX-67686128-T-G. GRCh37 (hg19) VCF-style: chrX-66905970-T-G.
Other names: c.289+2T>G (NM_001011645.3); c.1885+2T>G (NM_001348061.1, NM_001348063.1); c.*83+2T>G (NM_001348064.1).
Identifiers: ClinVar variation 1437090 (VCV001437090.6), dbSNP rs2147497993, ClinGen allele CA413429395.

ClinVar aggregate classification (germline): Pathogenic (1 of 4 stars; one submission).

Conditions:
Kennedy disease (SMAX1). Also called: SPINAL AND BULBAR MUSCULAR ATROPHY, X-LINKED 1; KENNEDY SPINAL AND BULBAR MUSCULAR ATROPHY; Spinal and Bulbar Muscular Atrophy. Identifiers: Orphanet 481, MedGen C1839259, MONDO:0010735, OMIM 313200.
Androgen resistance syndrome (AIS). Also called: ANDROGEN RECEPTOR DEFICIENCY; DIHYDROTESTOSTERONE RECEPTOR DEFICIENCY; Androgen insensitivity; DHTR DEFICIENCY; TESTICULAR FEMINIZATION SYNDROME; Androgen insensitivity syndrome. Identifiers: Orphanet 754, Orphanet 99429, MedGen C0039585, MONDO:0019154, OMIM 300068. Disease mechanism: loss of function.

Submission:

Labcorp Genetics (formerly Invitae), Labcorp
Classification: Pathogenic for Kennedy disease; Androgen resistance syndrome. Last evaluated: 2021-11-04. Review status: criteria provided, single submitter. Criteria: Invitae Variant Classification Sherloc (09022015). Collection method: clinical testing. Allele origin: germline.
Comment: This sequence change affects a donor splice site in intron 3 of the AR gene. It is expected to disrupt RNA splicing. Variants that disrupt the donor or acceptor splice site typically lead to a loss of protein function (PMID: 16199547), and loss-of-function variants in AR are known to be pathogenic (PMID: 19463997). This variant is not present in population databases (gnomAD no frequency). Disruption of this splice site has been observed in individual(s) with complete androgen insensitivity syndrome (PMID: 22334387). Algorithms developed to predict the effect of sequence changes on RNA splicing suggest that this variant may disrupt the consensus splice site. For these reasons, this variant has been classified as Pathogenic.

Literature cited by the submitters: PubMed 16199547; PubMed 19463997; PubMed 22334387.